The following is an entry in ClinVar:

NM_001139.3(ALOX12B):c.245G>C (p.Trp82Ser)

Gene: ALOX12B (arachidonate 12-lipoxygenase, 12R type; minus strand). Cytogenetic location: 17p13.1.
Variant type: single nucleotide variant.
Coding change: c.245G>C on transcript NM_001139.3 (MANE Select); coding-DNA position 245, G replaced by C.
Protein change: p.Trp82Ser; replaces tryptophan 82 with serine.
Molecular consequence: missense variant.
Genome position (GRCh38, 1-based): chr17:8,086,123, C>G on the plus strand (G>C on the coding strand, the complement: ALOX12B is on the minus strand). VCF-style: chr17-8086123-C-G. GRCh37 (hg19) VCF-style: chr17-7989441-C-G.
Other names: short protein forms W82S.
Identifiers: ClinVar variation 3769366 (VCV003769366.2).
Genomic context (GRCh38, chr17:8,086,123, plus strand): 5'-TAGGCGGGGAAGTGGTAGATACGGCCGTTGGGGGCACAGATCTGCACATAGTTGCAGTAC[C>G]AAGGGTCCTTGGGGAAGAAGGCGTACCGCTCTTTGTGCAGGCGGATGATGATGAGCTCAC-3'
Protein context (NP_001130.1, residues 72-92): ERYAFFPKDP[Trp82Ser]YCNYVQICAP

ClinVar aggregate classification (germline): Uncertain significance (1 of 4 stars; one submission).

Submission:

Women's Health and Genetics/Laboratory Corporation of America, LabCorp
Classification: Uncertain significance. Last evaluated: 2025-01-28. Review status: criteria provided, single submitter. Criteria: LabCorp Variant Classification Summary - May 2015. Collection method: clinical testing. Allele origin: germline.
Comment: Variant summary: ALOX12B c.245G>C (p.Trp82Ser) results in a non-conservative amino acid change located in the PLAT domain (IPR001024) of the encoded protein sequence. Five of five in-silico tools predict a damaging effect of the variant on protein function. The variant was absent in 251352 control chromosomes. The available data on variant occurrences in the general population are insufficient to allow any conclusion about variant significance. c.245G>C has been reported in the literature (Sun_2022). This report however, does not provide unequivocal conclusions about association of the variant with Lamellar Ichthyosis. To our knowledge, no experimental evidence demonstrating an impact on protein function has been reported. The following publication has been ascertained in the context of this evaluation (PMID: 34851365). No submitters have cited clinical-significance assessments for this variant to ClinVar. Based on the evidence outlined above, the variant was classified as uncertain significance.

Literature cited by the submitters: PubMed 34851365.